The following is an entry in ClinVar:

ClinVar aggregate classification (germline): Uncertain significance. Review status: criteria provided, multiple submitters, no conflicts (2 of 4 stars). 2 submissions from 2 submitters: Uncertain significance (2). Last evaluated 2024-09-10.

Conditions:
Neurofibromatosis, type 1 (NF1). Also called: Peripheral type neurofibromatosis; Neurofibromatosis, type I; NEUROFIBROMATOSIS, TYPE I, SOMATIC; VON RECKLINGHAUSEN DISEASE. Identifiers: Orphanet 636, MedGen C0027831, MONDO:0018975, OMIM 162200. Disease mechanism: loss of function.
Hereditary cancer-predisposing syndrome. Also called: Hereditary Cancer Syndrome; Neoplastic Syndromes, Hereditary; Hereditary neoplastic syndrome; Tumor predisposition. Identifiers: Orphanet 140162, MedGen C0027672, MeSH D009386, MONDO:0015356.
Cardiovascular phenotype. Identifiers: MedGen CN230736.

Submissions (2):

Labcorp Genetics (formerly Invitae), Labcorp
Classification: Uncertain significance for Neurofibromatosis, type 1. Last evaluated: 2024-09-10. Review status: criteria provided, single submitter. Criteria: Invitae Variant Classification Sherloc (09022015). Collection method: clinical testing. Allele origin: germline.
Comment: This sequence change replaces cysteine, which is neutral and slightly polar, with phenylalanine, which is neutral and non-polar, at codon 397 of the NF1 protein (p.Cys397Phe). This variant is not present in population databases (gnomAD no frequency). This variant has not been reported in the literature in individuals affected with NF1-related conditions. ClinVar contains an entry for this variant (Variation ID: 818551). Invitae Evidence Modeling of protein sequence and biophysical properties (such as structural, functional, and spatial information, amino acid conservation, physicochemical variation, residue mobility, and thermodynamic stability) indicates that this missense variant is expected to disrupt NF1 protein function with a positive predictive value of 95%. In summary, the available evidence is currently insufficient to determine the role of this variant in disease. Therefore, it has been classified as a Variant of Uncertain Significance.

Ambry Genetics
Classification: Uncertain significance for Cardiovascular phenotype; Hereditary cancer-predisposing syndrome. Last evaluated: 2019-10-16. Review status: criteria provided, single submitter. Criteria: Ambry Variant Classification Scheme 2023. Collection method: clinical testing. Allele origin: germline.
Comment: The p.C397F variant (also known as c.1190G>T), located in coding exon 11 of the NF1 gene, results from a G to T substitution at nucleotide position 1190. The cysteine at codon 397 is replaced by phenylalanine, an amino acid with highly dissimilar properties. This amino acid position is highly conserved in available vertebrate species. In addition, this alteration is predicted to be deleterious by in silico analysis. Since supporting evidence is limited at this time, the clinical significance of this alteration remains unclear.

NM_001042492.3(NF1):c.1190G>T (p.Cys397Phe)

Gene: NF1 (neurofibromin 1; plus strand). Cytogenetic location: 17q11.2.
Variant type: single nucleotide variant.
Coding change: c.1190G>T on transcript NM_001042492.3 (MANE Select); coding-DNA position 1190, G replaced by T.
Protein change: p.Cys397Phe; replaces cysteine 397 with phenylalanine.
Molecular consequence: missense variant.
Genome position (GRCh38, 1-based): chr17:31,201,415, G>T. VCF-style: chr17-31201415-G-T. GRCh37 (hg19) VCF-style: chr17-29528433-G-T.
Other names: c.1190G>T, p.Cys397Phe (NM_000267.4, NM_001128147.3); short protein forms C397F.
Identifiers: ClinVar variation 818551 (VCV000818551.6), dbSNP rs786201937, ClinGen allele CA398997425.
Genomic context (GRCh38, chr17:31,201,415, plus strand): 5'-ATTACTGAGTATTTTTCTCATAGAAATAATCTGCTTTTTTTTTTCTTTTTCTATAGATCT[G>T]CCTGGCTCAGAATTCACCTTCTACATTTCACTATGTGCTGGTAAATTCACTCCATCGAAT-3'
Protein context (NP_001035957.1, residues 387-407): SPHNNQHFKI[Cys397Phe]LAQNSPSTFH